The following is an entry in ClinVar:

NM_024312.5(GNPTAB):c.571+3A>C

Gene: GNPTAB (N-acetylglucosamine-1-phosphate transferase subunits alpha and beta; minus strand). Cytogenetic location: 12q23.2.
Variant type: single nucleotide variant.
Coding change: c.571+3A>C on transcript NM_024312.5 (MANE Select); 3 bases into the intron after coding-DNA position 571, A replaced by C.
Molecular consequence: intron variant.
Genome position (GRCh38, 1-based): chr12:101,786,009, T>G on the plus strand (A>C on the coding strand, the complement: GNPTAB is on the minus strand). VCF-style: chr12-101786009-T-G. GRCh37 (hg19) VCF-style: chr12-102179787-T-G.
Identifiers: ClinVar variation 39083 (VCV000039083.7), dbSNP rs281864960, ClinGen allele CA343410.
Genomic context (GRCh38, chr12:101,786,009, plus strand): 5'-GAATTTTGTTATTCAAACATCCAATGATAACATGATTTTAAAATATCCATAAAAAGATCT[T>G]ACCATCCTTAGTACTGTCAAAAACAACAACTGAGACATTGGTAGAAGGGTTTTTTGGTTT-3'

ClinVar aggregate classification (germline): Uncertain significance. Review status: criteria provided, single submitter (1 of 4 stars). 2 submissions from 2 submitters: Uncertain significance (1). 1 of the submissions does not count toward it. Last evaluated 2022-05-07.

Conditions:
Mucolipidosis type II. Also called: Mucolipidosis 2; ML 2; Inclusion cell disease; Leroy Disease; N-acetylglucosamine 1phosphotransferase deficiency; ML disorder type 2. Identifiers: Orphanet 576, MedGen C2673377, MONDO:0009650, OMIM 252500.
Pseudo-Hurler polydystrophy. Also called: Type III Mucolipidosis; ML IIIA; Mucolipidosis III Alpha/Beta; MUCOLIPIDOSIS IIIA; ML III; ML III ALPHA/BETA. Identifiers: Orphanet 423461, Orphanet 577, MedGen C0033788, MONDO:0018931, OMIM 252600.

Submissions (2):

Labcorp Genetics (formerly Invitae), Labcorp
Classification: Uncertain significance for Pseudo-Hurler polydystrophy; Mucolipidosis type II. Last evaluated: 2022-05-07. Review status: criteria provided, single submitter. Criteria: Invitae Variant Classification Sherloc (09022015). Collection method: clinical testing. Allele origin: germline.
Comment: In summary, the available evidence is currently insufficient to determine the role of this variant in disease. Therefore, it has been classified as a Variant of Uncertain Significance. Variants that disrupt the consensus splice site are a relatively common cause of aberrant splicing (PMID: 17576681, 9536098). Algorithms developed to predict the effect of sequence changes on RNA splicing suggest that this variant may disrupt the consensus splice site. ClinVar contains an entry for this variant (Variation ID: 39083). This variant is also known as 750+3A >C. This variant has been observed in individual(s) with mucolipidosis type II (PMID: 19617216, 19938078). This variant is not present in population databases (gnomAD no frequency). This sequence change falls in intron 5 of the GNPTAB gene. It does not directly change the encoded amino acid sequence of the GNPTAB protein. It affects a nucleotide within the consensus splice site.

GeneReviews
No classification provided. Condition: Pseudo-Hurler polydystrophy. Review status: no classification provided. Collection method: literature only. Allele origin: unknown. Not counted in ClinVar's aggregate classification.

Literature cited by the submitters: PubMed 17576681 (cited by Labcorp Genetics (formerly Invitae), Labcorp); PubMed 9536098 (cited by Labcorp Genetics (formerly Invitae), Labcorp); PubMed 19617216 (cited by Labcorp Genetics (formerly Invitae), Labcorp and GeneReviews); PubMed 19938078 (cited by Labcorp Genetics (formerly Invitae), Labcorp); PubMed 20301728 (cited by GeneReviews); NCBI Bookshelf NBK1828 (cited by GeneReviews).